The following is an entry in ClinVar:

NM_000478.6(ALPL):c.188G>T (p.Gly63Val)

Gene: ALPL (alkaline phosphatase, biomineralization associated; plus strand). Cytogenetic location: 1p36.12.
Variant type: single nucleotide variant.
Coding change: c.188G>T on transcript NM_000478.6 (MANE Select); coding-DNA position 188, G replaced by T.
Protein change: p.Gly63Val; replaces glycine 63 with valine.
Molecular consequence: missense variant. On other transcripts: intron variant (1).
Genome position (GRCh38, 1-based): chr1:21,561,103, G>T. VCF-style: chr1-21561103-G-T. GRCh37 (hg19) VCF-style: chr1-21887596-G-T.
Other names: c.23G>T, p.Gly8Val (NM_001127501.4); c.188G>T, p.Gly63Val (NM_001369803.2, NM_001369804.2, NM_001369805.2); c.66+358G>T (NM_001177520.3); c.188G>T (NM_000478.5, NM_000478.4); short protein forms G63V, G8V.
Identifiers: ClinVar variation 500024 (VCV000500024.14), dbSNP rs1490668038, ClinGen allele CA338877852.

ClinVar aggregate classification (germline): Pathogenic/Likely pathogenic. Review status: criteria provided, multiple submitters, no conflicts (2 of 4 stars). 5 submissions from 5 submitters: Pathogenic (2); Likely pathogenic (2). 1 of the submissions does not count toward it. Last evaluated 2026-03-26.

Conditions:
Adult hypophosphatasia. Identifiers: Orphanet 247676, Orphanet 436, MedGen C0268413, MONDO:1010154, OMIM 146300, MONDO:0007798.
Childhood hypophosphatasia. Identifiers: Orphanet 247667, Orphanet 436, MedGen C0220743, MONDO:1010168, OMIM 241510, MONDO:0009428.
Infantile hypophosphatasia. Identifiers: Orphanet 247651, Orphanet 436, MedGen C0268412, MONDO:1010169, OMIM 241500, MONDO:0009427.
Hypophosphatasia. Also called: Phosphoethanol-aminuria. Identifiers: Orphanet 436, MedGen C0020630, MeSH D007014, MONDO:0018570.

Allele frequency attached by ClinVar (database versions not stated): gnomAD exomes below 0.00001.
gnomAD v4.1: 2 of 1,609,188 alleles (0.00012%); highest among the groups gnomAD compares: East Asian, 0.0022%; no homozygotes.

Submissions (5):

GeneDx
Classification: Likely pathogenic. Last evaluated: 2026-03-26. Review status: criteria provided, single submitter. Criteria: GeneDx Variant Classification Process June 2021. Collection method: clinical testing. Allele origin: germline.
Comment: In silico analysis suggests this variant may impact gene splicing. In the absence of RNA/functional studies, the actual effect of this sequence change is unknown.; In silico analysis supports that this missense variant has a deleterious effect on protein structure/function; Not observed at significant frequency in large population cohorts (gnomAD); Also known as p.(G46V); This variant is associated with the following publications: (PMID: 11479741, 40000791, 39983296, 21419245, 25731960, 36361766)

Labcorp Genetics (formerly Invitae), Labcorp
Classification: Pathogenic. Last evaluated: 2026-02-01. Review status: criteria provided, single submitter. Criteria: Invitae Variant Classification Sherloc (09022015). Collection method: clinical testing. Allele origin: germline.
Comment: This sequence change replaces glycine, which is neutral and non-polar, with valine, which is neutral and non-polar, at codon 63 of the ALPL protein (p.Gly63Val). This variant is not present in population databases (gnomAD no frequency). This missense change has been observed in individual(s) with hypophosphatasia (PMID: 11479741, 25731960, 36361766). This variant is also known as p.G46V. ClinVar contains an entry for this variant (Variation ID: 500024). Invitae Evidence Modeling of protein sequence and biophysical properties (such as structural, functional, and spatial information, amino acid conservation, physicochemical variation, residue mobility, and thermodynamic stability) indicates that this missense variant is expected to disrupt ALPL protein function with a positive predictive value of 95%. Experimental studies have shown that this missense change affects ALPL function (PMID: 11479741, 21419245). Algorithms developed to predict the effect of sequence changes on RNA splicing suggest that this variant may create or strengthen a splice site. This variant disrupts the p.Gly63 amino acid residue in ALPL. Other variant(s) that disrupt this residue have been observed in individuals with ALPL-related conditions (PMID: 12815606), which suggests that this may be a clinically significant amino acid residue. For these reasons, this variant has been classified as Pathogenic.

Genomenon, Inc
Classification: Pathogenic for Hypophosphatasia. Last evaluated: 2025-08-29. Review status: criteria provided, single submitter. Criteria: Genomenon Sequence Variant Interpretation Standards. Collection method: curation. Allele origin: germline. Affected: yes.
Comment: ALPL c.188G>T is a missense variant that changes the amino acid at residue 63 from Glycine to Valine. This variant has been observed in at least one proband affected with hypophosphatasia (PMID:36361766;25731960;11479741). At least one functional study has demonstrated a substantial alteration in protein function relative to the wild-type (PMID:21419245;11479741). It is absent or not present at a significant frequency in gnomAD. This variant is also reported as Gly46Val in the literature. In silico models agree that this variant is possibly or probably damaging. In conclusion, we classify ALPL p.Gly63Val (c.188G>T) as a pathogenic variant.

Fulgent Genetics
Classification: Likely pathogenic for Adult hypophosphatasia; Infantile hypophosphatasia; Childhood hypophosphatasia. Last evaluated: 2024-05-17. Review status: criteria provided, single submitter. Criteria: ACMG Guidelines, 2015. Collection method: clinical testing. Allele origin: germline.

Eurofins Ntd Llc (ga)
Classification: Uncertain significance. Last evaluated: 2017-02-17. Review status: flagged submission. Criteria: EGL Classification Definitions 2015. Collection method: clinical testing. Allele origin: germline. Observed: 2 variant alleles, 2 heterozygotes. Not counted in ClinVar's aggregate classification.
ClinVar note: Reason: Older claim that does not account for recent evidence

Literature cited by the submitters: PubMed 11479741 (cited by Labcorp Genetics (formerly Invitae), Labcorp and Genomenon, Inc); PubMed 25731960 (cited by Labcorp Genetics (formerly Invitae), Labcorp and Genomenon, Inc); PubMed 36361766 (cited by Labcorp Genetics (formerly Invitae), Labcorp and Genomenon, Inc); PubMed 21419245 (cited by Labcorp Genetics (formerly Invitae), Labcorp and Genomenon, Inc); PubMed 12815606 (cited by Labcorp Genetics (formerly Invitae), Labcorp).